The following is an entry in ClinVar:

NM_001323289.2(CDKL5):c.365C>T (p.Ala122Val)

Gene: CDKL5 (cyclin dependent kinase like 5; plus strand). Cytogenetic location: Xp22.13.
Variant type: single nucleotide variant.
Coding change: c.365C>T on transcript NM_001323289.2 (MANE Select); coding-DNA position 365, C replaced by T.
Protein change: p.Ala122Val; replaces alanine 122 with valine.
Molecular consequence: missense variant.
Genome position (GRCh38, 1-based): chrX:18,579,930, C>T. VCF-style: chrX-18579930-C-T. GRCh37 (hg19) VCF-style: chrX-18598050-C-T.
Other names: c.365C>T, p.Ala122Val (NM_001037343.2, NM_003159.3); short protein forms A122V.
Identifiers: ClinVar variation 3340613 (VCV003340613.3).

ClinVar aggregate classification (germline): Conflicting classifications of pathogenicity. Review status: criteria provided, conflicting classifications (1 of 4 stars). 2 submissions from 2 submitters: Likely pathogenic (1); Uncertain significance (1). Last evaluated 2026-02-19.

Conditions:
CDKL5-related disorder.

Submissions (2):

GeneDx
Classification: Uncertain significance. Last evaluated: 2026-02-19. Review status: criteria provided, single submitter. Criteria: GeneDx Variant Classification Process June 2021. Collection method: clinical testing. Allele origin: germline.
Comment: Not observed at significant frequency in large population cohorts (gnomAD); In silico analysis supports that this missense variant has a deleterious effect on protein structure/function; Has not been previously published as pathogenic or benign to our knowledge

Blueprint Genetics
Classification: Likely pathogenic for CDKL5-related disorders. Last evaluated: 2023-03-13. Review status: criteria provided, single submitter. Criteria: ACMG Guidelines, 2015. Collection method: clinical testing. Allele origin: germline. Affected: yes. Observed: 1 variant allele.